The following is an entry in ClinVar:

ClinVar aggregate classification (germline): Uncertain significance (1 of 4 stars; one submission).

Conditions:
TP63-Related Spectrum Disorders.

Allele frequency attached by ClinVar (database versions not stated): TOPMed below 0.00001; gnomAD exomes 0.00001.
gnomAD v4.1: 10 of 1,612,902 alleles (0.00062%); highest among the groups gnomAD compares: Non-Finnish European, 0.00085%; no homozygotes.

Submission:

Labcorp Genetics (formerly Invitae), Labcorp
Classification: Uncertain significance. Last evaluated: 2023-10-13. Review status: criteria provided, single submitter. Criteria: Invitae Variant Classification Sherloc (09022015). Collection method: clinical testing. Allele origin: germline.
Comment: This sequence change replaces aspartic acid, which is acidic and polar, with glycine, which is neutral and non-polar, at codon 16 of the TP63 protein (p.Asp16Gly). This variant is not present in population databases (gnomAD no frequency). This variant has not been reported in the literature in individuals affected with TP63-related conditions. ClinVar contains an entry for this variant (Variation ID: 1913461). Advanced modeling of protein sequence and biophysical properties (such as structural, functional, and spatial information, amino acid conservation, physicochemical variation, residue mobility, and thermodynamic stability) has been performed at Invitae for this missense variant, however the output from this modeling did not meet the statistical confidence thresholds required to predict the impact of this variant on TP63 protein function. In summary, the available evidence is currently insufficient to determine the role of this variant in disease. Therefore, it has been classified as a Variant of Uncertain Significance.

NM_003722.5(TP63):c.47A>G (p.Asp16Gly)

Gene: TP63 (tumor protein p63; plus strand). Cytogenetic location: 3q28.
Variant type: single nucleotide variant.
Coding change: c.47A>G on transcript NM_003722.5 (MANE Select); coding-DNA position 47, A replaced by G.
Protein change: p.Asp16Gly; replaces aspartic acid 16 with glycine.
Molecular consequence: missense variant. On other transcripts: intron variant (1).
Genome position (GRCh38, 1-based): chr3:189,631,562, A>G. VCF-style: chr3-189631562-A-G. GRCh37 (hg19) VCF-style: chr3-189349351-A-G.
Other names: c.47A>G, p.Asp16Gly (NM_001114978.2, NM_001114979.2, NM_001329144.2 and 1 more transcripts); c.56+34324A>G (NM_001329964.2); short protein forms D16G.
Identifiers: ClinVar variation 1913461 (VCV001913461.4), dbSNP rs1729457321, ClinGen allele CA355858708.